The following is an entry in ClinVar:

NM_015102.5(NPHP4):c.517C>T (p.Gln173Ter)

Gene: NPHP4 (nephrocystin 4; minus strand). Cytogenetic location: 1p36.31.
Variant type: single nucleotide variant.
Coding change: c.517C>T on transcript NM_015102.5 (MANE Select); coding-DNA position 517, C replaced by T.
Protein change: p.Gln173Ter; replaces glutamine 173 with a stop codon.
Molecular consequence: nonsense. On other transcripts: 5 prime UTR variant (2), non-coding transcript variant (1).
Genome position (GRCh38, 1-based): chr1:5,967,299, G>A on the plus strand (C>T on the coding strand, the complement: NPHP4 is on the minus strand). VCF-style: chr1-5967299-G-A. GRCh37 (hg19) VCF-style: chr1-6027359-G-A.
Other names: c.-713C>T (NM_001291593.2); c.-850C>T (NM_001291594.2); short protein forms Q173*.
Identifiers: ClinVar variation 968316 (VCV000968316.11), dbSNP rs997408852, ClinGen allele CA17125550.

ClinVar aggregate classification (germline): Pathogenic/Likely pathogenic. Review status: criteria provided, multiple submitters, no conflicts (2 of 4 stars). 3 submissions from 3 submitters: Pathogenic (2); Likely pathogenic (1). Last evaluated 2024-02-24.

Conditions:
Nephronophthisis 4 (NPHP4). Also called: NEPHRONOPHTHISIS 4, JUVENILE. Identifiers: Orphanet 655, MedGen C1847013, MONDO:0011752, OMIM 606966.
NPHP4-related disorder. Also called: NPHP4-related disorders; NPHP4-related condition. Identifiers: MedGen CN239384.
Nephronophthisis. Also called: Juvenile Nephronophthisis. Identifiers: Orphanet 655, MedGen C0687120, MONDO:0019005, HP:0000090.

Allele frequency attached by ClinVar (database versions not stated): gnomAD exomes below 0.00001 and 0.00001; TOPMed 0.00001.
gnomAD v4.1: 9 of 1,601,088 alleles (0.00056%); highest among the groups gnomAD compares: South Asian, 0.0023%; no homozygotes.

Submissions (3):

Labcorp Genetics (formerly Invitae), Labcorp
Classification: Pathogenic for Nephronophthisis. Last evaluated: 2024-02-24. Review status: criteria provided, single submitter. Criteria: Invitae Variant Classification Sherloc (09022015). Collection method: clinical testing. Allele origin: germline.
Comment: This sequence change creates a premature translational stop signal (p.Gln173*) in the NPHP4 gene. It is expected to result in an absent or disrupted protein product. Loss-of-function variants in NPHP4 are known to be pathogenic (PMID: 12205563, 23559409). The frequency data for this variant in the population databases is considered unreliable, as metrics indicate poor data quality at this position in the gnomAD database. This premature translational stop signal has been observed in individual(s) with nephronophthisis (PMID: 23559409). ClinVar contains an entry for this variant (Variation ID: 968316). For these reasons, this variant has been classified as Pathogenic.

Blueprint Genetics
Classification: Likely pathogenic for NPHP4-related disorders. Last evaluated: 2022-06-09. Review status: criteria provided, single submitter. Criteria: ACMG Guidelines, 2015. Collection method: clinical testing. Allele origin: germline. Affected: yes. Observed: 1 variant allele.

Foundation for Research in Genetics and Endocrinology, FRIGE's Institute of Human Genetics
Classification: Pathogenic for Nephronophthisis 4. Last evaluated: 2020-09-16. Review status: criteria provided, single submitter. Criteria: ACMG Guidelines, 2015. Collection method: clinical testing. Allele origin: germline. Inheritance: Autosomal recessive inheritance. Affected: yes. Observed: 1 homozygote.
Comment: A homozygous nonsense variation in exon 5 of the NPHP4 gene that results in a stop codon and premature truncation of the protein at codon 173 was detected. The observed variant c.517C>T (p.Gln173Ter) has been previously reported in a patient affected with end stage kidney disease (Halbritter et al. 2013). The variant has not been reported in the 1000 genomes and has a minor allele frequency of 0.0004% in the gnomAD database. The in silico prediction of the variant is damaging by MutationTaster2. The reference codon is conserved across mammals. In summary, the variant meets our criteria to be classified as pathogenic.

Literature cited by the submitters: PubMed 12205563 (cited by Labcorp Genetics (formerly Invitae), Labcorp); PubMed 23559409 (cited by Labcorp Genetics (formerly Invitae), Labcorp).